The following is an entry in ClinVar:

NM_001148.6(ANK2):c.1045A>G (p.Lys349Glu)

Gene: ANK2 (ankyrin 2; plus strand). Cytogenetic location: 4q26.
Variant type: single nucleotide variant.
Coding change: c.1045A>G on transcript NM_001148.6 (MANE Select); coding-DNA position 1045, A replaced by G.
Protein change: p.Lys349Glu; replaces lysine 349 with glutamic acid.
Molecular consequence: missense variant.
Genome position (GRCh38, 1-based): chr4:113,255,789, A>G. VCF-style: chr4-113255789-A-G. GRCh37 (hg19) VCF-style: chr4-114176945-A-G.
Other names: c.982A>G, p.Lys328Glu (NM_001127493.3, NM_001354239.2, NM_001354243.2 and 14 more transcripts); c.1045A>G, p.Lys349Glu (NM_001354225.2, NM_001354228.2, NM_001354232.2 and 9 more transcripts); c.1090A>G, p.Lys364Glu (NM_001354230.2, NM_001354231.2, NM_001354237.2 and 5 more transcripts); c.958A>G, p.Lys320Glu (NM_001354249.2, NM_001354260.2, NM_001354264.2 and 16 more transcripts); c.1003A>G, p.Lys335Glu (NM_001354261.2, NM_001386147.1, NM_001386160.1); c.1033A>G, p.Lys345Glu (NM_001354269.3, NM_001386148.2, NM_001386186.2); c.1096A>G, p.Lys366Glu (NM_001386174.1); c.1072A>G, p.Lys358Glu (NM_001386175.1); and 1 more; short protein forms K328E, K335E, K366E, K320E, K337E, K345E, K358E, K349E.
Identifiers: ClinVar variation 2047844 (VCV002047844.3), dbSNP rs560233021, ClinGen allele CA3050180.

ClinVar aggregate classification (germline): Uncertain significance (1 of 4 stars; one submission).

Conditions:
Long QT syndrome (LQTS). Identifiers: MedGen C0023976, MeSH D008133, MONDO:0002442. Disease mechanism: loss of function. Inheritance: Various modes of inheritance.

Allele frequency attached by ClinVar (database versions not stated): gnomAD 0.00001; gnomAD exomes 0.00002; ExAC 0.00003; 1000 Genomes Project 0.00020; 1000 Genomes Project 30x 0.00031.
gnomAD v4.1: 30 of 1,614,172 alleles (0.0019%); highest among the groups gnomAD compares: South Asian, 0.033%; 1 homozygote.

Submission:

Labcorp Genetics (formerly Invitae), Labcorp
Classification: Uncertain significance for Long QT syndrome. Last evaluated: 2024-01-15. Review status: criteria provided, single submitter. Criteria: Invitae Variant Classification Sherloc (09022015). Collection method: clinical testing. Allele origin: germline.
Comment: This sequence change replaces lysine, which is basic and polar, with glutamic acid, which is acidic and polar, at codon 349 of the ANK2 protein (p.Lys349Glu). This variant is present in population databases (rs560233021, gnomAD 0.03%). This variant has not been reported in the literature in individuals affected with ANK2-related conditions. ClinVar contains an entry for this variant (Variation ID: 2047844). Advanced modeling of protein sequence and biophysical properties (such as structural, functional, and spatial information, amino acid conservation, physicochemical variation, residue mobility, and thermodynamic stability) has been performed at Invitae for this missense variant, however the output from this modeling did not meet the statistical confidence thresholds required to predict the impact of this variant on ANK2 protein function. In summary, the available evidence is currently insufficient to determine the role of this variant in disease. Therefore, it has been classified as a Variant of Uncertain Significance.